The following is an entry in ClinVar:

NM_001377.3(DYNC2H1):c.11118del (p.Pro3707fs)

Gene: DYNC2H1 (dynein cytoplasmic 2 heavy chain 1; plus strand). Cytogenetic location: 11q22.3.
Variant type: Deletion.
Coding change: c.11118del on transcript NM_001377.3 (MANE Select); coding-DNA position 11118, one base deleted (G; older notation c.11118delG).
Protein change: p.Pro3707fs; shifts the reading frame from proline 3707.
Molecular consequence: frameshift variant.
Genome position (GRCh38, 1-based): chr11:103,303,115, G deleted. VCF-style (leftmost placement, unchanged base first): chr11-103303114-TG-T. GRCh37 (hg19) VCF-style: chr11-103173843-TG-T.
Other names: c.11139del, p.Pro3714fs (NM_001080463.2); short protein forms P3707fs, P3714fs.
Identifiers: ClinVar variation 5015179 (VCV005015179.1).
Genomic context (GRCh38, chr11:103,303,114, plus strand): 5'-TACTGCTTTTATTTTTAATTTTTAAAATATATATTTTAGGACTGAAAGAGGTGTCCCCAC[TG>T]CCTCTAAATCTCAAACGTTTATACAAAGAGACACTGGAAATTGAACCCATCTTGATAATT-3'

ClinVar aggregate classification (germline): Pathogenic (1 of 4 stars; one submission).

Conditions:
Asphyxiating thoracic dystrophy 3. Also called: SHORT-RIB THORACIC DYSPLASIA 3 WITH OR WITHOUT POLYDACTYLY; POLYDACTYLY WITH NEONATAL CHONDRODYSTROPHY, TYPE I; SHORT-RIB THORACIC DYSPLASIA 3/6 WITH POLYDACTYLY, DIGENIC; Short rib polydactyly syndrome 2B; Saldino-Noonan Syndrome. Identifiers: Orphanet 474, Orphanet 93269, Orphanet 93270, Orphanet 93271, MedGen C0036069, MONDO:0013127, OMIM 613091.

Submission:

Myriad Genetics, Inc.
Classification: Pathogenic for Asphyxiating thoracic dystrophy 3. Last evaluated: 2025-11-07. Review status: criteria provided, single submitter. Criteria: Myriad Autosomal Dominant, Autosomal Recessive and X-Linked Classification Criteria (2023). Collection method: clinical testing. Allele origin: unknown.
Comment: NM_001377.2(DYNC2H1):c.11118delG(P3707Lfs*2) is expected to be pathogenic in the context of DYNC2H1-related disorders. This variant is predicted to lead to an abnormal or absent protein product due to the creation of a premature termination codon in DYNC2H1, a gene where loss-of-function variants are known to be pathogenic. Please note: this variant was assessed in the context of healthy population screening.